The following is an entry in ClinVar:

NM_000186.4(CFH):c.2956+3dup

Gene: CFH (complement factor H; plus strand). Cytogenetic location: 1q31.3.
Variant type: Duplication.
Coding change: c.2956+3dup on transcript NM_000186.4 (MANE Select); 3 bases into the intron after coding-DNA position 2956, one base duplicated (A; older notation c.2956+3dupA).
Molecular consequence: intron variant.
Genome position (GRCh38, 1-based): chr1:196,740,795, A duplicated. VCF-style (leftmost placement, unchanged base first): chr1-196740794-T-TA. GRCh37 (hg19) VCF-style: chr1-196709924-T-TA.
Identifiers: ClinVar variation 2745673 (VCV002745673.3), dbSNP rs2529541895, ClinGen allele CA2697554820.

ClinVar aggregate classification (germline): Uncertain significance (1 of 4 stars; one submission).

Submission:

Labcorp Genetics (formerly Invitae), Labcorp
Classification: Uncertain significance. Last evaluated: 2023-08-05. Review status: criteria provided, single submitter. Criteria: Invitae Variant Classification Sherloc (09022015). Collection method: clinical testing. Allele origin: germline.
Comment: In summary, the available evidence is currently insufficient to determine the role of this variant in disease. Therefore, it has been classified as a Variant of Uncertain Significance. Variants that disrupt the consensus splice site are a relatively common cause of aberrant splicing (PMID: 17576681, 9536098). Algorithms developed to predict the effect of sequence changes on RNA splicing suggest that this variant may disrupt the consensus splice site. This variant has not been reported in the literature in individuals affected with CFH-related conditions. This variant is not present in population databases (gnomAD no frequency). This sequence change falls in intron 18 of the CFH gene. It does not directly change the encoded amino acid sequence of the CFH protein. It affects a nucleotide within the consensus splice site.

Literature cited by the submitters: PubMed 17576681; PubMed 9536098.